The following is an entry in ClinVar:

NM_001849.4(COL6A2):c.1458+1G>A

Gene: COL6A2 (collagen type VI alpha 2 chain; plus strand). Cytogenetic location: 21q22.3.
Variant type: single nucleotide variant.
Coding change: c.1458+1G>A on transcript NM_001849.4 (MANE Select); the canonical splice donor site of the intron after coding-DNA position 1458, G replaced by A.
Molecular consequence: splice donor variant.
Genome position (GRCh38, 1-based): chr21:46,121,124, G>A. VCF-style: chr21-46121124-G-A. GRCh37 (hg19) VCF-style: chr21-47541038-G-A.
Other names: c.1458+1G>A (NM_058175.3, NM_058174.3).
Identifiers: ClinVar variation 290672 (VCV000290672.6), dbSNP rs886044526, ClinGen allele CA10606869.
Genomic context (GRCh38, chr21:46,121,124, plus strand): 5'-GACCGAGGCTTGCCTGGACCCAGAGGCCCCCAGGGAGCTCTTGGGGAGCCCGGAAAGCAG[G>A]TCAGTGTCAGTGCAGGAGGCCGGTGCCCTCTGACCCCACGGGTGGGTCTCCCCTATCCAT-3'

ClinVar aggregate classification (germline): Pathogenic/Likely pathogenic. Review status: criteria provided, multiple submitters, no conflicts (2 of 4 stars). 2 submissions from 2 submitters: Pathogenic (1); Likely pathogenic (1). Last evaluated 2023-01-16.

Submissions (2):

Mayo Clinic Laboratories, Mayo Clinic
Classification: Likely pathogenic. Last evaluated: 2023-01-16. Review status: criteria provided, single submitter. Criteria: ACMG Guidelines, 2015. Collection method: clinical testing. Allele origin: germline. Observed: 1 variant allele.
Comment: PM2, PVS1

Eurofins Ntd Llc (ga)
Classification: Pathogenic. Last evaluated: 2016-09-13. Review status: criteria provided, single submitter. Criteria: EGL Classification Definitions 2015. Collection method: clinical testing. Allele origin: germline. Observed: 1 variant allele, 1 heterozygote.